The following is an entry in ClinVar:

NM_001291303.3(FAT4):c.13627A>T (p.Lys4543Ter)

Gene: FAT4 (FAT atypical cadherin 4; plus strand). Cytogenetic location: 4q28.1.
Variant type: single nucleotide variant.
Coding change: c.13627A>T on transcript NM_001291303.3 (MANE Select); coding-DNA position 13627, A replaced by T.
Protein change: p.Lys4543Ter; replaces lysine 4543 with a stop codon.
Molecular consequence: nonsense.
Genome position (GRCh38, 1-based): chr4:125,490,443, A>T. VCF-style: chr4-125490443-A-T. GRCh37 (hg19) VCF-style: chr4-126411598-A-T.
Other names: c.13624A>T, p.Lys4542Ter (NM_001291285.3); c.13621A>T, p.Lys4541Ter (NM_024582.6); short protein forms K4541*, K4543*, K4542*.
Identifiers: ClinVar variation 450968 (VCV000450968.2), dbSNP rs1553931042, ClinGen allele CA358137306.

ClinVar aggregate classification (germline): Likely pathogenic (1 of 4 stars; one submission).

Submission:

GeneDx
Classification: Likely pathogenic. Last evaluated: 2017-07-28. Review status: criteria provided, single submitter. Criteria: GeneDx Variant Classification (06012015). Collection method: clinical testing. Allele origin: germline. Affected: yes.
Comment: The K4541X variant has not been published as a pathogenic variant, nor has it been reported as a benign variant to our knowledge. The K4541X variant is not observed in large population cohorts (Lek et al., 2016; 1000 Genomes Consortium et al., 2015; Exome Variant Server). This variant is predicted to cause loss of normal protein function through protein truncation as the last 441 amino acids are lost.